The following is an entry in ClinVar:

ClinVar aggregate classification (germline): Uncertain significance (1 of 4 stars; one submission).

Conditions:
Neuropathy, hereditary sensory and autonomic, type 2A (HSAN2A). Also called: WNK1-Related HSAN2 (HSAN2A); ACROOSTEOLYSIS, GIACCAI TYPE; ACROOSTEOLYSIS, NEUROGENIC; MORVAN DISEASE; NEUROPATHY, CONGENITAL SENSORY; NEUROPATHY, HEREDITARY SENSORY RADICULAR, AUTOSOMAL RECESSIVE. Identifiers: Orphanet 970, MedGen C2752089, MONDO:0024309, OMIM 201300.
Generalized epilepsy with febrile seizures plus, type 7 (GEFSP7). Also called: GEFS+, TYPE 7. Identifiers: Orphanet 36387, MedGen C2751778, MONDO:0013470, OMIM 613863.

Submission:

Labcorp Genetics (formerly Invitae), Labcorp
Classification: Uncertain significance for Neuropathy, hereditary sensory and autonomic, type 2A; Generalized epilepsy with febrile seizures plus, type 7. Last evaluated: 2024-10-22. Review status: criteria provided, single submitter. Criteria: Invitae Variant Classification Sherloc (09022015). Collection method: clinical testing. Allele origin: germline.
Comment: This sequence change replaces leucine, which is neutral and non-polar, with valine, which is neutral and non-polar, at codon 313 of the SCN9A protein (p.Leu313Val). This variant is not present in population databases (gnomAD no frequency). This variant has not been reported in the literature in individuals affected with SCN9A-related conditions. ClinVar contains an entry for this variant (Variation ID: 408583). Invitae Evidence Modeling of protein sequence and biophysical properties (such as structural, functional, and spatial information, amino acid conservation, physicochemical variation, residue mobility, and thermodynamic stability) indicates that this missense variant is not expected to disrupt SCN9A protein function with a negative predictive value of 95%. In summary, the available evidence is currently insufficient to determine the role of this variant in disease. Therefore, it has been classified as a Variant of Uncertain Significance.

NM_001365536.1(SCN9A):c.937C>G (p.Leu313Val)

Genes: SCN9A (sodium voltage-gated channel alpha subunit 9; minus strand), SCN1A-AS1 (SCN1A and SCN9A antisense RNA 1; plus strand). Cytogenetic location: 2q24.3.
Variant type: single nucleotide variant.
Coding change: c.937C>G on transcript NM_001365536.1 (MANE Select); coding-DNA position 937, C replaced by G.
Protein change: p.Leu313Val; replaces leucine 313 with valine.
Molecular consequence: missense variant. On other transcripts: non-coding transcript variant (1).
Genome position (GRCh38, 1-based): chr2:166,294,627, G>C on the plus strand (C>G on the coding strand, the complement: SCN9A is on the minus strand). VCF-style: chr2-166294627-G-C. GRCh37 (hg19) VCF-style: chr2-167151137-G-C.
Other names: c.937C>G, p.Leu313Val (NM_002977.4); short protein forms L313V.
Identifiers: ClinVar variation 408583 (VCV000408583.9), dbSNP rs1060502050, ClinGen allele CA16610179.